The following is an entry in ClinVar:

NM_005359.6(SMAD4):c.1422A>T (p.Ser474=)

Gene: SMAD4 (SMAD family member 4; plus strand). Cytogenetic location: 18q21.2.
Variant type: single nucleotide variant.
Coding change: c.1422A>T on transcript NM_005359.6 (MANE Select); coding-DNA position 1422, A replaced by T.
Protein change: p.Ser474=; no amino-acid change (serine 474 retained).
Molecular consequence: synonymous variant. On other transcripts: non-coding transcript variant (1).
Genome position (GRCh38, 1-based): chr18:51,076,751, A>T. VCF-style: chr18-51076751-A-T. GRCh37 (hg19) VCF-style: chr18-48603121-A-T.
Other names: c.1422A>T, p.Ser474= (NM_001407041.1, NM_001407042.1).
Identifiers: ClinVar variation 3904303 (VCV003904303.1).

ClinVar aggregate classification (germline): Benign (1 of 4 stars; one submission).

Conditions:
Juvenile polyposis/hereditary hemorrhagic telangiectasia syndrome (JPHT). Also called: JP/HHT SYNDROME; JUVENILE POLYPOSIS WITH HEREDITARY HEMORRHAGIC TELANGIECTASIA; POLYPOSIS, GENERALIZED JUVENILE, WITH PULMONARY ARTERIOVENOUS MALFORMATION; TELANGIECTASIA, HEREDITARY HEMORRHAGIC, WITH JUVENILE POLYPOSIS COLI; Juvenile Polyposis Syndrome / Hereditary Hemorrhagic Telangiectasia (JPS/HHT). Identifiers: Orphanet 2929, MedGen C1832942, MONDO:0008278, OMIM 175050.

Submission:

Myriad Genetics, Inc.
Classification: Benign for Juvenile polyposis/hereditary hemorrhagic telangiectasia syndrome. Last evaluated: 2025-03-24. Review status: criteria provided, single submitter. Criteria: Myriad Autosomal Dominant, Autosomal Recessive and X-Linked Classification Criteria (2023). Collection method: clinical testing. Allele origin: unknown.
Comment: This variant is considered benign. This variant is a silent/synonymous amino acid change and it is not expected to impact splicing.